The following is an entry in ClinVar:

ClinVar aggregate classification (germline): Uncertain significance (1 of 4 stars; one submission).

Submission:

GeneDx
Classification: Uncertain significance. Last evaluated: 2017-04-12. Review status: criteria provided, single submitter. Criteria: GeneDx Variant Classification (06012015). Collection method: clinical testing. Allele origin: germline. Affected: yes.
Comment: The G639C variant in the COL9A3 gene has not been reported previously as a pathogenic variant, nor as a benign variant, to our knowledge. The G639C variant is not observed in large population cohorts (Lek et al., 2016; 1000 Genomes Consortium et al., 2015; Exome Variant Server). The G639C variant is a non-conservative amino acid substitution, which is likely to impact secondary protein structure as these residues differ in polarity, charge, size and/or other properties. This substitution occurs at a position that is conserved across species. In silico analysis predicts this variant is probably damaging to the protein structure/function. We interpret G639C as a variant of uncertain significance.

NM_001853.4(COL9A3):c.1915G>T (p.Gly639Cys)

Gene: COL9A3 (collagen type IX alpha 3 chain; plus strand). Cytogenetic location: 20q13.33.
Variant type: single nucleotide variant.
Coding change: c.1915G>T on transcript NM_001853.4 (MANE Select); coding-DNA position 1915, G replaced by T.
Protein change: p.Gly639Cys; replaces glycine 639 with cysteine.
Molecular consequence: missense variant.
Genome position (GRCh38, 1-based): chr20:62,840,592, G>T. VCF-style: chr20-62840592-G-T. GRCh37 (hg19) VCF-style: chr20-61471944-G-T.
Other names: c.1915G>T, p.Gly639Cys (LRG_1253t1); short protein forms G639C.
Identifiers: ClinVar variation 426557 (VCV000426557.2), dbSNP rs1085307683, ClinGen allele CA409601401.
Genomic context (GRCh38, chr20:62,840,592, plus strand): 5'-CTGTCCCAAGGACCCCAAGGCGTGCCCGGCACCAGCAAGGACGGCCAGGACGGTGCTCCC[G>T]GCGAGCCTGGGCCTCCCGGAGATCCTGGGCTTCCAGGTGCCATTGGGGCCCAGGGGACAC-3'
Protein context (NP_001844.3, residues 629-649): TSKDGQDGAP[Gly639Cys]EPGPPGDPGL